The following is an entry in ClinVar:

NM_000277.3(PAH):c.503del (p.Tyr168fs)

Gene: PAH (phenylalanine hydroxylase; minus strand). Cytogenetic location: 12q23.2.
Variant type: Deletion.
Coding change: c.503del on transcript NM_000277.3 (MANE Select); coding-DNA position 503, one base deleted (A; older notation c.503delA).
Protein change: p.Tyr168fs; shifts the reading frame from tyrosine 168.
Molecular consequence: frameshift variant.
Genome position (GRCh38, 1-based): chr12:102,866,602, T deleted on the plus strand (A on the coding strand, the reverse complement: PAH is on the minus strand). VCF-style (leftmost placement, unchanged base first): chr12-102866601-GT-G. GRCh37 (hg19) VCF-style: chr12-103260379-GT-G.
Other names: NM_000277.2(PAH):c.503delA; c.503del, p.Tyr168fs (NM_001354304.2); c.503delA (NM_000277.3); short protein forms Y168fs.
Identifiers: ClinVar variation 102705 (VCV000102705.11), dbSNP rs199475661, ClinGen allele CA229588.

ClinVar aggregate classification (germline): Pathogenic. Review status: reviewed by expert panel (3 of 4 stars). 6 submissions from 6 submitters: Pathogenic (1). 5 of the submissions do not count toward it. Last evaluated 2018-08-10.

Conditions:
Phenylketonuria (PKU). Also called: Phenylketonuria (PKU); FOLLING DISEASE; OLIGOPHRENIA PHENYLPYRUVICA; Phenylketonurias. Identifiers: Orphanet 716, MedGen C0031485, MONDO:0009861, OMIM 261600. Disease mechanism: loss of function.

Allele frequency attached by ClinVar (database versions not stated): ExAC 0.00001; gnomAD exomes below 0.00001.

Submissions (6):

ClinGen PAH Variant Curation Expert Panel
Classification: Pathogenic for Phenylketonuria. Last evaluated: 2018-08-10. Review status: reviewed by expert panel. Criteria: ClinGen PAH ACMG Specifications v1. Collection method: curation. Allele origin: germline. Inheritance: Autosomal recessive inheritance.
Comment: PAH-specific ACMG/AMP criteria applied: PVS1: Frameshift variant; PM2: Extremely low frequency. ExAC MAF: 0.00001.; PP4: Detected in PKU patient in international phase II clinical trial for sapropterin. (PMID:23430918). In summary this variant meets criteria to be classified as pathogenic for phenylketonuria in an autosomal recessive manner based on the ACMG/AMP criteria applied as specified by the PAH Expert Panel: (PVS1, PM2, PP4).

Labcorp Genetics (formerly Invitae), Labcorp
Classification: Pathogenic for Phenylketonuria. Last evaluated: 2023-04-22. Review status: criteria provided, single submitter. Criteria: Invitae Variant Classification Sherloc (09022015). Collection method: clinical testing. Allele origin: germline. Not counted in ClinVar's aggregate classification.
Comment: ClinVar contains an entry for this variant (Variation ID: 102705). For these reasons, this variant has been classified as Pathogenic. This sequence change creates a premature translational stop signal (p.Tyr168Serfs*27) in the PAH gene. It is expected to result in an absent or disrupted protein product. Loss-of-function variants in PAH are known to be pathogenic (PMID: 1301187, 9634518). This variant is present in population databases (rs199475661, gnomAD 0.0009%). This premature translational stop signal has been observed in individual(s) with hyperphenylalaninemia (PMID: 24368688).

Women's Health and Genetics/Laboratory Corporation of America, LabCorp
Classification: Pathogenic for Phenylketonuria. Last evaluated: 2016-12-06. Review status: criteria provided, single submitter. Criteria: LabCorp Variant Classification Summary - May 2015. Collection method: clinical testing. Allele origin: germline. Not counted in ClinVar's aggregate classification.
Comment: Variant summary: The PAH c.503delA (p.Tyr168Serfs) variant results in a premature termination codon, predicted to cause a truncated or absent PAH protein due to nonsense mediated decay, which are commonly known mechanisms for disease. Truncations downstream of this position have been classified as pathogenic by our laboratory (e.g. c.526C>T, p.Arg176X; c.1089delG, p.Lys363fs). One in silico tool predicts a damaging outcome for this variant. This variant was found in 1/121256 control chromosomes at a frequency of 0.0000082, which does not exceed the estimated maximal expected allele frequency of a pathogenic PAH variant (0.0079057). This variant has been reported in two unrelated patients who carry c.1222C>T/p.R408W (pathogenic) in trans (Sarkissian_2011 and one internal sample). In addition, one clinical diagnostic laboratory has classified this variant as pathogenic. Taken together, this variant is classified as pathogenic.

Eurofins Ntd Llc (ga)
Classification: Pathogenic. Last evaluated: 2015-09-04. Review status: criteria provided, single submitter. Criteria: EGL Classification Definitions 2015. Collection method: clinical testing. Allele origin: germline. Observed: 2 variant alleles, 2 heterozygotes. Not counted in ClinVar's aggregate classification.

Natera, Inc.
Classification: Pathogenic for Phenylketonuria. Last evaluated: 2020-09-16. Review status: no assertion criteria provided. Collection method: clinical testing. Allele origin: germline. Not counted in ClinVar's aggregate classification.

DeBelle Laboratory for Biochemical Genetics, MUHC/MCH RESEARCH INSTITUTE
No classification provided. Review status: no classification provided. Collection method: not provided. Allele origin: not provided. Not counted in ClinVar's aggregate classification.

Literature cited by the submitters: PubMed 23430918 (cited by ClinGen PAH Variant Curation Expert Panel and Women's Health and Genetics/Laboratory Corporation of America, LabCorp); PubMed 1301187 (cited by Labcorp Genetics (formerly Invitae), Labcorp); PubMed 9634518 (cited by Labcorp Genetics (formerly Invitae), Labcorp); PubMed 24368688 (cited by 3 submitters).